The following is an entry in ClinVar:

NM_004046.6(ATP5F1A):c.94G>T (p.Ala32Ser)

Gene: ATP5F1A (ATP synthase F1 subunit alpha; minus strand). Cytogenetic location: 18q21.1.
Variant type: single nucleotide variant.
Coding change: c.94G>T on transcript NM_004046.6 (MANE Select); coding-DNA position 94, G replaced by T.
Protein change: p.Ala32Ser; replaces alanine 32 with serine.
Molecular consequence: missense variant. On other transcripts: 5 prime UTR variant (2).
Genome position (GRCh38, 1-based): chr18:46,095,098, C>A on the plus strand (G>T on the coding strand, the complement: ATP5F1A is on the minus strand). VCF-style: chr18-46095098-C-A. GRCh37 (hg19) VCF-style: chr18-43675064-C-A.
Other names: c.-130G>T (NM_001001935.3); c.94G>T, p.Ala32Ser (NM_001001937.2, NM_001257334.2); c.-57G>T (NM_001257335.2); short protein forms A32S.
Identifiers: ClinVar variation 381409 (VCV000381409.18), dbSNP rs79011243, ClinGen allele CA8950928.

ClinVar aggregate classification (germline): Benign. Review status: criteria provided, multiple submitters, no conflicts (2 of 4 stars). 5 submissions from 5 submitters: Benign (3). 2 of the submissions do not count toward it. Last evaluated 2026-01-25.

Conditions:
ATP5F1A-related disorder. Also called: ATP5F1A-related condition.

Allele frequency attached by ClinVar (database versions not stated): gnomAD exomes 0.00197 and 0.00559; ExAC 0.00729; gnomAD 0.02163 and 0.02330; TOPMed 0.02412; 1000 Genomes Project 0.02436; ESP Exome Variant Server 0.02468; 1000 Genomes Project 30x 0.02498.
gnomAD v4.1: 6,296 of 1,613,068 alleles (0.39%); highest among the groups gnomAD compares: African/African-American, 7.5%; 210 homozygotes.

Submissions 1 to 30 of 48:

Labcorp Genetics (formerly Invitae), Labcorp
Classification: Benign. Last evaluated: 2026-01-25. Review status: criteria provided, single submitter. Criteria: Invitae Variant Classification Sherloc (09022015). Collection method: clinical testing. Allele origin: germline.

GeneDx
Classification: Benign. Last evaluated: 2016-02-22. Review status: criteria provided, single submitter. Criteria: GeneDx Variant Classification (06012015). Collection method: clinical testing. Allele origin: germline. Affected: yes.
Comment: This variant is considered likely benign or benign based on one or more of the following criteria: it is a conservative change, it occurs at a poorly conserved position in the protein, it is predicted to be benign by multiple in silico algorithms, and/or has population frequency not consistent with disease.

Breakthrough Genomics
Classification: Benign. Review status: criteria provided, single submitter. Criteria: ACMG Guidelines, 2015. Collection method: not provided. Allele origin: germline. Inheritance: Autosomal recessive inheritance. Affected: yes.

PreventionGenetics, part of Exact Sciences
Classification: Benign for ATP5F1A-related condition. Last evaluated: 2019-08-13. Review status: no assertion criteria provided. Collection method: clinical testing. Allele origin: germline. Not counted in ClinVar's aggregate classification.
Comment: This variant is classified as benign based on ACMG/AMP sequence variant interpretation guidelines (Richards et al. 2015 PMID: 25741868, with internal and published modifications).

Mayo Clinic Laboratories, Mayo Clinic
Classification: Benign. Last evaluated: 2016-03-15. Review status: no assertion criteria provided. Collection method: clinical testing. Allele origin: unknown. Not counted in ClinVar's aggregate classification.

Dr. Peter K. Rogan Lab, Western University
No classification provided (evidence only). Condition: Clear cell carcinoma of kidney. Review status: no classification provided. Collection method: in vitro. Allele origin: not applicable. Functional consequence: retained intron. Not counted in ClinVar's aggregate classification.

Dr. Peter K. Rogan Lab, Western University
No classification provided (evidence only). Condition: Clear cell carcinoma of kidney. Review status: no classification provided. Collection method: in vitro. Allele origin: not applicable. Functional consequence: retained intron. Not counted in ClinVar's aggregate classification.

Dr. Peter K. Rogan Lab, Western University
No classification provided (evidence only). Condition: Clear cell carcinoma of kidney. Review status: no classification provided. Collection method: in vitro. Allele origin: not applicable. Functional consequence: retained intron. Not counted in ClinVar's aggregate classification.

Dr. Peter K. Rogan Lab, Western University
No classification provided (evidence only). Condition: Clear cell carcinoma of kidney. Review status: no classification provided. Collection method: in vitro. Allele origin: not applicable. Functional consequence: retained intron. Not counted in ClinVar's aggregate classification.

Dr. Peter K. Rogan Lab, Western University
No classification provided (evidence only). Condition: Lung cancer. Review status: no classification provided. Collection method: in vitro. Allele origin: not applicable. Functional consequence: skipped exon, retained intron. Not counted in ClinVar's aggregate classification.

Dr. Peter K. Rogan Lab, Western University
No classification provided (evidence only). Condition: Lung cancer. Review status: no classification provided. Collection method: in vitro. Allele origin: not applicable. Functional consequence: retained intron. Not counted in ClinVar's aggregate classification.

Dr. Peter K. Rogan Lab, Western University
No classification provided (evidence only). Condition: Melanoma. Review status: no classification provided. Collection method: in vitro. Allele origin: not applicable. Functional consequence: retained intron. Not counted in ClinVar's aggregate classification.

Dr. Peter K. Rogan Lab, Western University
No classification provided (evidence only). Condition: Acute myeloid leukemia. Review status: no classification provided. Collection method: in vitro. Allele origin: not applicable. Functional consequence: retained intron. Not counted in ClinVar's aggregate classification.

Dr. Peter K. Rogan Lab, Western University
No classification provided (evidence only). Condition: Colon adenocarcinoma. Review status: no classification provided. Collection method: in vitro. Allele origin: not applicable. Functional consequence: retained intron. Not counted in ClinVar's aggregate classification.

Dr. Peter K. Rogan Lab, Western University
No classification provided (evidence only). Condition: Colorectal cancer. Review status: no classification provided. Collection method: in vitro. Allele origin: not applicable. Functional consequence: retained intron. Not counted in ClinVar's aggregate classification.

Dr. Peter K. Rogan Lab, Western University
No classification provided (evidence only). Condition: Thyroid cancer, nonmedullary, 1. Review status: no classification provided. Collection method: in vitro. Allele origin: not applicable. Functional consequence: retained intron. Not counted in ClinVar's aggregate classification.

Dr. Peter K. Rogan Lab, Western University
No classification provided (evidence only). Condition: Thyroid cancer, nonmedullary, 1. Review status: no classification provided. Collection method: in vitro. Allele origin: not applicable. Functional consequence: skipped exon, retained intron. Not counted in ClinVar's aggregate classification.

Dr. Peter K. Rogan Lab, Western University
No classification provided (evidence only). Condition: Thyroid cancer, nonmedullary, 1. Review status: no classification provided. Collection method: in vitro. Allele origin: not applicable. Functional consequence: retained intron. Not counted in ClinVar's aggregate classification.

Dr. Peter K. Rogan Lab, Western University
No classification provided (evidence only). Condition: Thyroid cancer, nonmedullary, 1. Review status: no classification provided. Collection method: in vitro. Allele origin: not applicable. Functional consequence: retained intron. Not counted in ClinVar's aggregate classification.

Dr. Peter K. Rogan Lab, Western University
No classification provided (evidence only). Condition: Thyroid cancer, nonmedullary, 1. Review status: no classification provided. Collection method: in vitro. Allele origin: not applicable. Functional consequence: retained intron. Not counted in ClinVar's aggregate classification.

Dr. Peter K. Rogan Lab, Western University
No classification provided (evidence only). Condition: Thyroid cancer, nonmedullary, 1. Review status: no classification provided. Collection method: in vitro. Allele origin: not applicable. Functional consequence: retained intron. Not counted in ClinVar's aggregate classification.

Dr. Peter K. Rogan Lab, Western University
No classification provided (evidence only). Condition: Uterine corpus endometrial carcinoma. Review status: no classification provided. Collection method: in vitro. Allele origin: not applicable. Functional consequence: skipped exon, retained intron. Not counted in ClinVar's aggregate classification.

Dr. Peter K. Rogan Lab, Western University
No classification provided (evidence only). Condition: Uterine corpus endometrial carcinoma. Review status: no classification provided. Collection method: in vitro. Allele origin: not applicable. Functional consequence: retained intron. Not counted in ClinVar's aggregate classification.

Dr. Peter K. Rogan Lab, Western University
No classification provided (evidence only). Condition: Uterine corpus endometrial carcinoma. Review status: no classification provided. Collection method: in vitro. Allele origin: not applicable. Functional consequence: retained intron. Not counted in ClinVar's aggregate classification.

Dr. Peter K. Rogan Lab, Western University
No classification provided (evidence only). Condition: Uterine corpus endometrial carcinoma. Review status: no classification provided. Collection method: in vitro. Allele origin: not applicable. Functional consequence: retained intron. Not counted in ClinVar's aggregate classification.

Dr. Peter K. Rogan Lab, Western University
No classification provided (evidence only). Condition: Uterine corpus endometrial carcinoma. Review status: no classification provided. Collection method: in vitro. Allele origin: not applicable. Functional consequence: retained intron. Not counted in ClinVar's aggregate classification.

Dr. Peter K. Rogan Lab, Western University
No classification provided (evidence only). Condition: Uterine corpus endometrial carcinoma. Review status: no classification provided. Collection method: in vitro. Allele origin: not applicable. Functional consequence: retained intron. Not counted in ClinVar's aggregate classification.

Dr. Peter K. Rogan Lab, Western University
No classification provided (evidence only). Condition: Uterine corpus endometrial carcinoma. Review status: no classification provided. Collection method: in vitro. Allele origin: not applicable. Functional consequence: skipped exon, retained intron. Not counted in ClinVar's aggregate classification.

Dr. Peter K. Rogan Lab, Western University
No classification provided (evidence only). Condition: Uterine corpus endometrial carcinoma. Review status: no classification provided. Collection method: in vitro. Allele origin: not applicable. Functional consequence: skipped exon, retained intron. Not counted in ClinVar's aggregate classification.

Dr. Peter K. Rogan Lab, Western University
No classification provided (evidence only). Condition: Uterine corpus endometrial carcinoma. Review status: no classification provided. Collection method: in vitro. Allele origin: not applicable. Functional consequence: skipped exon, retained intron. Not counted in ClinVar's aggregate classification.